The following is an entry in ClinVar:

ClinVar aggregate classification (germline): Conflicting classifications of pathogenicity. Review status: criteria provided, conflicting classifications (1 of 4 stars). 3 submissions from 3 submitters: Uncertain significance (1); Likely benign (1). 1 of the submissions does not count toward it. Last evaluated 2024-03-20.

Conditions:
PCNT-related disorder. Also called: PCNT-related condition.
Inborn genetic diseases. Identifiers: MedGen C0950123, MeSH D030342.

Allele frequency attached by ClinVar (database versions not stated): gnomAD 0.00001; TOPMed 0.00002.
gnomAD v4.1: 22 of 1,609,144 alleles (0.0014%); highest among the groups gnomAD compares: South Asian, 0.0044%; no homozygotes.

Submissions (3):

Ambry Genetics
Classification: Likely benign for Inborn genetic diseases. Last evaluated: 2024-03-20. Review status: criteria provided, single submitter. Criteria: Ambry Variant Classification Scheme 2023. Collection method: clinical testing. Allele origin: germline.

Labcorp Genetics (formerly Invitae), Labcorp
Classification: Uncertain significance. Last evaluated: 2022-08-23. Review status: criteria provided, single submitter. Criteria: Invitae Variant Classification Sherloc (09022015). Collection method: clinical testing. Allele origin: germline.
Comment: This sequence change replaces arginine, which is basic and polar, with histidine, which is basic and polar, at codon 1811 of the PCNT protein (p.Arg1811His). This variant is present in population databases (rs769452431, gnomAD 0.007%). This variant has not been reported in the literature in individuals affected with PCNT-related conditions. ClinVar contains an entry for this variant (Variation ID: 1476527). Algorithms developed to predict the effect of missense changes on protein structure and function output the following: SIFT: "Tolerated"; PolyPhen-2: "Benign"; Align-GVGD: "Class C0". The histidine amino acid residue is found in multiple mammalian species, which suggests that this missense change does not adversely affect protein function. In summary, the available evidence is currently insufficient to determine the role of this variant in disease. Therefore, it has been classified as a Variant of Uncertain Significance.

PreventionGenetics, part of Exact Sciences
Classification: Uncertain significance for PCNT-related condition. Last evaluated: 2024-07-31. Review status: no assertion criteria provided. Collection method: clinical testing. Allele origin: germline. Not counted in ClinVar's aggregate classification.
Comment: The PCNT c.5432G>A variant is predicted to result in the amino acid substitution p.Arg1811His. To our knowledge, this variant has not been reported in the literature. This variant is reported in 0.0066% of alleles in individuals of South Asian descent in gnomAD. At this time, the clinical significance of this variant is uncertain due to the absence of conclusive functional and genetic evidence.

NM_006031.6(PCNT):c.5432G>A (p.Arg1811His)

Gene: PCNT (pericentrin; plus strand). Cytogenetic location: 21q22.3.
Variant type: single nucleotide variant.
Coding change: c.5432G>A on transcript NM_006031.6 (MANE Select); coding-DNA position 5432, G replaced by A.
Protein change: p.Arg1811His; replaces arginine 1811 with histidine.
Molecular consequence: missense variant.
Genome position (GRCh38, 1-based): chr21:46,411,505, G>A. VCF-style: chr21-46411505-G-A. GRCh37 (hg19) VCF-style: chr21-47831419-G-A.
Other names: c.5078G>A, p.Arg1693His (NM_001315529.2); c.5432G>A (NM_006031.5); short protein forms R1693H, R1811H.
Identifiers: ClinVar variation 1476527 (VCV001476527.7), dbSNP rs769452431, ClinGen allele CA10079980.